The following is an entry in ClinVar:

ClinVar aggregate classification (germline): Uncertain significance (1 of 4 stars; one submission).

Conditions:
Anauxetic dysplasia. Identifiers: Orphanet 93347, MedGen C1846796, MONDO:0011773.

Allele frequency attached by ClinVar (database versions not stated): gnomAD exomes 0.00009; ExAC 0.00046.
gnomAD v4.1: 33 of 700,320 alleles (0.0047%); highest among the groups gnomAD compares: South Asian, 0.046%; no homozygotes.

Submission:

Labcorp Genetics (formerly Invitae), Labcorp
Classification: Uncertain significance for Anauxetic dysplasia. Last evaluated: 2022-08-10. Review status: criteria provided, single submitter. Criteria: Invitae Variant Classification Sherloc (09022015). Collection method: clinical testing. Allele origin: germline.
Comment: This variant occurs in the RMRP gene, which encodes an RNA molecule that does not result in a protein product. This variant is present in population databases (rs747605028, gnomAD 0.06%). This variant has not been reported in the literature in individuals affected with RMRP-related conditions. ClinVar contains an entry for this variant (Variation ID: 1418470). In summary, the available evidence is currently insufficient to determine the role of this variant in disease. Therefore, it has been classified as a Variant of Uncertain Significance.

NC_000009.12:g.35657904C>A

Gene: RMRP (RNA component of mitochondrial RNA processing endoribonuclease; minus strand). Cytogenetic location: 9p13.3.
Variant type: single nucleotide variant.
Genome position: GRCh38 VCF-style: chr9-35657904-C-A. GRCh37 (hg19) VCF-style: chr9-35657901-C-A.
Identifiers: ClinVar variation 1418470 (VCV001418470.3), dbSNP rs747605028, ClinGen allele CA5045841.